The following is an entry in ClinVar:

ClinVar aggregate classification (germline): Uncertain significance (1 of 4 stars; one submission).

Conditions:
X-linked immunodeficiency with magnesium defect, Epstein-Barr virus infection and neoplasia. Identifiers: Orphanet 317476, MedGen C3275445, MONDO:0010455, OMIM 300853.

Submission:

Labcorp Genetics (formerly Invitae), Labcorp
Classification: Uncertain significance for X-linked immunodeficiency with magnesium defect, Epstein-Barr virus infection and neoplasia. Last evaluated: 2024-12-05. Review status: criteria provided, single submitter. Criteria: Invitae Variant Classification Sherloc (09022015). Collection method: clinical testing. Allele origin: germline.
Comment: This sequence change replaces glycine, which is neutral and non-polar, with glutamic acid, which is acidic and polar, at codon 178 of the MAGT1 protein (p.Gly178Glu). This variant is not present in population databases (gnomAD no frequency). This variant has not been reported in the literature in individuals affected with MAGT1-related conditions. Invitae Evidence Modeling of protein sequence and biophysical properties (such as structural, functional, and spatial information, amino acid conservation, physicochemical variation, residue mobility, and thermodynamic stability) indicates that this missense variant is not expected to disrupt MAGT1 protein function with a negative predictive value of 80%. In summary, the available evidence is currently insufficient to determine the role of this variant in disease. Therefore, it has been classified as a Variant of Uncertain Significance.

NM_001367916.1(MAGT1):c.437G>A (p.Gly146Glu)

Gene: MAGT1 (magnesium transporter 1; minus strand). Cytogenetic location: Xq21.1.
Variant type: single nucleotide variant.
Coding change: c.437G>A on transcript NM_001367916.1 (MANE Select); coding-DNA position 437, G replaced by A.
Protein change: p.Gly146Glu; replaces glycine 146 with glutamic acid.
Molecular consequence: missense variant.
Genome position (GRCh38, 1-based): chrX:77,857,451, C>T on the plus strand (G>A on the coding strand, the complement: MAGT1 is on the minus strand). VCF-style: chrX-77857451-C-T. GRCh37 (hg19) VCF-style: chrX-77112948-C-T.
Other names: c.533G>A, p.Gly178Glu (NM_032121.5); short protein forms G146E, G178E.
Identifiers: ClinVar variation 3711145 (VCV003711145.2).